The following is an entry in ClinVar:

ClinVar aggregate classification (germline): Uncertain significance (1 of 4 stars; one submission).

Conditions:
Osteogenesis imperfecta type 8 (OI8). Identifiers: MedGen C1970458, MONDO:0012581, OMIM 610915.

gnomAD v4.1: 1 of 1,607,236 alleles (0.000062%); highest among the groups gnomAD compares: East Asian, 0.0022%; no homozygotes.

Submission:

Labcorp Genetics (formerly Invitae), Labcorp
Classification: Uncertain significance for Osteogenesis imperfecta type 8. Last evaluated: 2023-01-01. Review status: criteria provided, single submitter. Criteria: Invitae Variant Classification Sherloc (09022015). Collection method: clinical testing. Allele origin: germline.
Comment: This variant is not present in population databases (gnomAD no frequency). This sequence change replaces leucine, which is neutral and non-polar, with valine, which is neutral and non-polar, at codon 37 of the P3H1 protein (p.Leu37Val). This variant has not been reported in the literature in individuals affected with P3H1-related conditions. In summary, the available evidence is currently insufficient to determine the role of this variant in disease. Therefore, it has been classified as a Variant of Uncertain Significance. Advanced modeling of protein sequence and biophysical properties (such as structural, functional, and spatial information, amino acid conservation, physicochemical variation, residue mobility, and thermodynamic stability) performed at Invitae indicates that this missense variant is not expected to disrupt P3H1 protein function.

NM_022356.4(P3H1):c.109C>G (p.Leu37Val)

Gene: P3H1 (prolyl 3-hydroxylase 1; minus strand). Cytogenetic location: 1p34.2.
Variant type: single nucleotide variant.
Coding change: c.109C>G on transcript NM_022356.4 (MANE Select); coding-DNA position 109, C replaced by G.
Protein change: p.Leu37Val; replaces leucine 37 with valine.
Molecular consequence: missense variant.
Genome position (GRCh38, 1-based): chr1:42,766,863, G>C on the plus strand (C>G on the coding strand, the complement: P3H1 is on the minus strand). VCF-style: chr1-42766863-G-C. GRCh37 (hg19) VCF-style: chr1-43232534-G-C.
Other names: c.109C>G, p.Leu37Val (NM_001146289.2, NM_001243246.2); short protein forms L37V.
Identifiers: ClinVar variation 2784117 (VCV002784117.3), dbSNP rs1161630309, ClinGen allele CA339964108.